The following continues an entry in ClinVar:

NM_001042492.3(NF1):c.1810T>C (p.Leu604=)

Gene: NF1. ClinVar aggregate classification (germline): Benign/Likely benign. Benign (11); Likely benign (12).

Submissions 20 to 26 of 26:

Illumina Laboratory Services, Illumina
Classification: Benign for Neurofibromatosis-Noonan syndrome. Last evaluated: 2018-01-13. Review status: criteria provided, single submitter. Criteria: ICSL Variant Classification Criteria 13 December 2019. Collection method: clinical testing. Allele origin: germline.
Comment: This variant was observed in the ICSL laboratory as part of a predisposition screen in an ostensibly healthy population. It had not been previously curated by ICSL or reported in the Human Gene Mutation Database (HGMD: prior to June 1st, 2018), and was therefore a candidate for classification through an automated scoring system. Utilizing variant allele frequency, disease prevalence and penetrance estimates, and inheritance mode, an automated score was calculated to assess if this variant is too frequent to cause the disease. Based on the score and internal cut-off values, a variant classified as benign is not then subjected to further curation. The score for this variant resulted in a classification of benign for this disease.

Laboratory for Molecular Medicine, Mass General Brigham Personalized Medicine
Classification: Benign. Last evaluated: 2017-10-10. Review status: criteria provided, single submitter. Criteria: LMM Criteria. Collection method: clinical testing. Allele origin: germline. Observed: 5 variant alleles.
Comment: p.Leu604Leu in exon 16 of NF1: This variant is not expected to have clinical sig nificance because it does not alter an amino acid residue and is not located wit hin the splice consensus sequence. It has been identified in 0.2% (143/66480) o f European chromosomes and in 0.6% (61/10146) of Ashkenazi Jewish chromosomes by the Genome Aggregation Database (gnomAD; dbSN P rs142712751).

Ambry Genetics
Classification: Likely benign for Hereditary cancer-predisposing syndrome. Last evaluated: 2014-06-24. Review status: criteria provided, single submitter. Criteria: Ambry Autosomal Dominant and X-Linked criteria (10/2015). Collection method: clinical testing. Allele origin: germline. Observed: 1 variant allele.

Breakthrough Genomics
Classification: Likely benign. Review status: criteria provided, single submitter. Criteria: ACMG Guidelines, 2015. Collection method: not provided. Allele origin: germline. Inheritance: Autosomal dominant inheritance. Affected: yes.

PreventionGenetics, part of Exact Sciences
Classification: Benign for NF1-related condition. Last evaluated: 2019-10-25. Review status: no assertion criteria provided. Collection method: clinical testing. Allele origin: germline. Not counted in ClinVar's aggregate classification.
Comment: This variant is classified as benign based on ACMG/AMP sequence variant interpretation guidelines (Richards et al. 2015 PMID: 25741868, with internal and published modifications).

Clinical Genetics DNA and cytogenetics Diagnostics Lab, Erasmus MC, Erasmus Medical Center
Classification: Benign. Review status: no assertion criteria provided. Collection method: clinical testing. Allele origin: germline. Affected: yes. Study: VKGL Data-share Consensus. Not counted in ClinVar's aggregate classification.

Diagnostic Laboratory, Department of Genetics, University Medical Center Groningen
Classification: Likely benign. Review status: no assertion criteria provided. Collection method: clinical testing. Allele origin: germline. Affected: yes. Study: VKGL Data-share Consensus. Not counted in ClinVar's aggregate classification.

Literature cited by the submitters: PubMed 10678181 (cited by Women's Health and Genetics/Laboratory Corporation of America, LabCorp); PubMed 23460398 (cited by Women's Health and Genetics/Laboratory Corporation of America, LabCorp); PubMed 16944272 (cited by Women's Health and Genetics/Laboratory Corporation of America, LabCorp).